The following is an entry in ClinVar:

NM_007294.4(BRCA1):c.5504G>T (p.Arg1835Leu)

Gene: BRCA1 (BRCA1 DNA repair associated; minus strand). Cytogenetic location: 17q21.31.
Variant type: single nucleotide variant.
Coding change: c.5504G>T on transcript NM_007294.4 (MANE Select); coding-DNA position 5504, G replaced by T.
Protein change: p.Arg1835Leu; replaces arginine 1835 with leucine.
Molecular consequence: missense variant. On other transcripts: 3 prime UTR variant (1), non-coding transcript variant (1).
Genome position (GRCh38, 1-based): chr17:43,045,766, C>A on the plus strand (G>T on the coding strand, the complement: BRCA1 is on the minus strand). VCF-style: chr17-43045766-C-A. GRCh37 (hg19) VCF-style: chr17-41197783-C-A.
Other names: c.5501G>T, p.Arg1834Leu (NM_001407610.1, NM_001407611.1, NM_001407612.1 and 14 more transcripts); c.5498G>T, p.Arg1833Leu (NM_001407629.1, NM_001407630.1, NM_001407631.1 and 13 more transcripts); c.5444G>T, p.Arg1815Leu (NM_001407649.1); c.5426G>T, p.Arg1809Leu (NM_001407652.1, NM_001407653.1, NM_001407654.1 and 1 more transcripts); c.5423G>T, p.Arg1808Leu (NM_001407656.1, NM_001407657.1, NM_001407658.1); c.5420G>T, p.Arg1807Leu (NM_001407659.1, NM_001407660.1, NM_001407661.1 and 2 more transcripts); c.5378G>T, p.Arg1793Leu (NM_001407670.1, NM_001407671.1, NM_001407672.1 and 8 more transcripts); c.5375G>T, p.Arg1792Leu (NM_001407689.1, NM_001407681.1, NM_001407682.1 and 6 more transcripts); and 74 more; short protein forms R1788L, R731L, R1835L, R1856L, R1707L, R1724L, R1747L, R1787L.
Identifiers: ClinVar variation 867606 (VCV000867606.3), dbSNP rs273902776, ClinGen allele CA10590304.
Genomic context (GRCh38, chr17:43,045,766, plus strand): 5'-ATCAGGTAGGTGTCCAGCTCCTGGCACTGGTAGAGTGCTACACTGTCCAACACCCACTCT[C>A]GGGTCACCACAGGTGCCTCACACATCTGCCCAATTGCTGGAGACAGAGAACACAAGCAGA-3'
Protein context (NP_009225.1, residues 1825-1845): GQMCEAPVVT[Arg1835Leu]EWVLDSVALY

Conditions:
Breast-ovarian cancer, familial, susceptibility to, 1 (BROVCA1). Also called: BRCA1 Hereditary Breast and Ovarian Cancer; OVARIAN CANCER, SUSCEPTIBILITY TO. Identifiers: Orphanet 145, MedGen C2676676, MONDO:0011450, OMIM 604370. Disease mechanism: loss of function.

Submission:

Brotman Baty Institute, University of Washington
No classification provided (evidence only). Condition: Breast-ovarian cancer, familial 1. Review status: no classification provided. Collection method: in vitro. Allele origin: not applicable. Functional consequence: function_uncertain_variant.
ClinVar note: "not provided" was previously submitted as the classification for the variant. However, the classification appeared to be based only on an observation of functional data so it was converted to no classification on 2025-07-30.